The following is an entry in ClinVar:

ClinVar aggregate classification (germline): Likely pathogenic (1 of 4 stars; one submission).

Submission:

ARUP Laboratories, Molecular Genetics and Genomics, ARUP Laboratories
Classification: Likely pathogenic. Last evaluated: 2018-03-21. Review status: criteria provided, single submitter. Criteria: ARUP Molecular Germline Variant Investigation Process. Collection method: clinical testing. Allele origin: germline.
Comment: The COL1A1 c.1102G>C; p.Gly368Arg variant, to our knowledge, is not reported in the medical literature, gene specific variation databases, nor has it been previously identified by our laboratory. This variant is absent from the general population databases (1000 Genomes Project, Exome Variant Server, Genome Aggregation Database), indicating it is not a common polymorphism. However, other variants affecting this codon, including Gly368Ser and Gly368Val, have been reported in patients with osteogenesis imperfecta (Marini 2007, Bodian 2009). The variant is located in a triple helix repeat domain, and glycine substitutions are the most frequent pathogenic alterations in this region (Ben Amor 2011). The glycine at position 368 is highly conserved, considering 11 species, and computational analyses of the effects of the p.Gly368Arg variant on protein structure and function predict a deleterious effect (SIFT: damaging, PolyPhen-2: probably damaging). Based on the above information, the p.Gly368Arg variant is likely to be pathogenic.

NM_000088.4(COL1A1):c.1102G>C (p.Gly368Arg)

Gene: COL1A1 (collagen type I alpha 1 chain; minus strand). Cytogenetic location: 17q21.33.
Variant type: single nucleotide variant.
Coding change: c.1102G>C on transcript NM_000088.4 (MANE Select); coding-DNA position 1102, G replaced by C.
Protein change: p.Gly368Arg; replaces glycine 368 with arginine.
Molecular consequence: missense variant.
Genome position (GRCh38, 1-based): chr17:50,195,620, C>G on the plus strand (G>C on the coding strand, the complement: COL1A1 is on the minus strand). VCF-style: chr17-50195620-C-G. GRCh37 (hg19) VCF-style: chr17-48272981-C-G.
Other names: short protein forms G368R.
Identifiers: ClinVar variation 618572 (VCV000618572.8), dbSNP rs72645367, ClinGen allele CA400219946.